The following is an entry in ClinVar:

GRCh38/hg38 22q11.23-12.1(chr22:25299501-25507844)x3

Genes: MIR6817 (microRNA 6817; plus strand), LOC106780824 (conserved acetylation island sequence 2 enhancer; plus strand), LOC125424402 (Sharpr-MPRA regulatory region 13977; plus strand), LOC130067127 (ATAC-STARR-seq lymphoblastoid active region 18782; plus strand), LOC130067128 (ATAC-STARR-seq lymphoblastoid active region 18783; plus strand) and 6 more. Cytogenetic location: 22q11.23-12.1.
Variant type: copy number gain.
Change: copy number 3 (three copies instead of two) of chr22:25,299,501-25,507,844 (208.3 kb, GRCh38 coordinates, 1-based), cytogenetic band 22q11.23-12.1.
Identifiers: ClinVar variation 149346 (VCV000149346.2).

ClinVar aggregate classification (germline): Benign/Likely benign (0 of 4 stars; one submission).

Submission:

ISCA site 4
Classification: Benign/Likely benign. Last evaluated: 2012-09-21. Review status: no assertion criteria provided. Collection method: clinical testing. Allele origin: unknown. Affected: yes. Observed: 12 variant alleles. Clinical features observed: Developmental delay AND/OR other significant developmental or morphological phenotypes, Situs inversus totalis (HP:0001696), Cystinuria (HP:0003131), Unilateral cleft lip (HP:0100333), Growth delay (HP:0001510), Macrocephaly (HP:0000256), Global developmental delay (HP:0001263), Wide anterior fontanel (HP:0000260), Hydrocephalus (HP:0000238), Headache (HP:0002315), Spina bifida (HP:0002414), Autistic behavior (HP:0000729), and 4 more.
Comment: Likely benign (11), Benign (1)

Copy number variation identified through the course of routine clinical cytogenomic testing in postnatal populations, with clinical assertions as classified by the original submitter.